The following is an entry in ClinVar:

NM_002332.3(LRP1):c.7773T>C (p.Cys2591=)

Gene: LRP1 (LDL receptor related protein 1; plus strand). Cytogenetic location: 12q13.3.
Variant type: single nucleotide variant.
Coding change: c.7773T>C on transcript NM_002332.3 (MANE Select); coding-DNA position 7773, T replaced by C.
Protein change: p.Cys2591=; no amino-acid change (cysteine 2591 retained).
Molecular consequence: synonymous variant.
Genome position (GRCh38, 1-based): chr12:57,193,654, T>C. VCF-style: chr12-57193654-T-C. GRCh37 (hg19) VCF-style: chr12-57587437-T-C.
Identifiers: ClinVar variation 719653 (VCV000719653.28), dbSNP rs34456957, ClinGen allele CA6644159.

ClinVar aggregate classification (germline): Benign/Likely benign. Review status: criteria provided, multiple submitters, no conflicts (2 of 4 stars). 2 submissions from 2 submitters: Benign (1); Likely benign (1). Last evaluated 2023-04-01.

Allele frequency attached by ClinVar (database versions not stated): 1000 Genomes Project 0.00140; 1000 Genomes Project 30x 0.00187; gnomAD exomes 0.00337 and 0.00522; TOPMed 0.00340; gnomAD 0.00341 and 0.00357; ExAC 0.00354; ESP Exome Variant Server 0.00531.
gnomAD v4.1: 8,124 of 1,614,160 alleles (0.5%); highest among the groups gnomAD compares: Non-Finnish European, 0.64%; 43 homozygotes.

Submissions (2):

CeGaT Center for Human Genetics Tuebingen
Classification: Likely benign. Last evaluated: 2023-04-01. Review status: criteria provided, single submitter. Criteria: CeGaT Center For Human Genetics Tuebingen Variant Classification Criteria Version 2. Collection method: clinical testing. Allele origin: germline. Affected: yes. Observed: 8 variant alleles.
Comment: LRP1: BP4, BP7, BS2

Labcorp Genetics (formerly Invitae), Labcorp
Classification: Benign. Last evaluated: 2019-12-31. Review status: criteria provided, single submitter. Criteria: Invitae Variant Classification Sherloc (09022015). Collection method: clinical testing. Allele origin: germline.